The following is an entry in ClinVar:

NM_001304438.2(TMEM132E):c.947C>T (p.Ala316Val)

Gene: TMEM132E (transmembrane protein 132E; plus strand). Cytogenetic location: 17q12.
Variant type: single nucleotide variant.
Coding change: c.947C>T on transcript NM_001304438.2 (MANE Select); coding-DNA position 947, C replaced by T.
Protein change: p.Ala316Val; replaces alanine 316 with valine.
Molecular consequence: missense variant.
Genome position (GRCh38, 1-based): chr17:34,627,006, C>T. VCF-style: chr17-34627006-C-T. GRCh37 (hg19) VCF-style: chr17-32954025-C-T.
Other names: short protein forms A316V.
Identifiers: ClinVar variation 3604228 (VCV003604228.2).
Genomic context (GRCh38, chr17:34,627,006, plus strand): 5'-TCCGCCTGCCAGACCGGCCCCTCAAGCCCGGGGAAGTGCTCAGCATCCTCCTCTATCTGG[C>T]CCCCAACTCCTCCTCGCCCTCCAGCCCCAGCGTGGAGCACTTCACACTCAGGTAGTAGGG-3'
Protein context (NP_001291367.1, residues 306-326): GEVLSILLYL[Ala316Val]PNSSSPSSPS

ClinVar aggregate classification (germline): Uncertain significance (1 of 4 stars; one submission).

gnomAD v4.1: 1 of 1,613,852 alleles (0.000062%); highest among the groups gnomAD compares: East Asian, 0.0022%; no homozygotes.

Submission:

Labcorp Genetics (formerly Invitae), Labcorp
Classification: Uncertain significance. Last evaluated: 2024-02-17. Review status: criteria provided, single submitter. Criteria: Invitae Variant Classification Sherloc (09022015). Collection method: clinical testing. Allele origin: germline.
Comment: This sequence change replaces alanine, which is neutral and non-polar, with valine, which is neutral and non-polar, at codon 316 of the TMEM132E protein (p.Ala316Val). This variant is not present in population databases (gnomAD no frequency). This variant has not been reported in the literature in individuals affected with TMEM132E-related conditions. Experimental studies and prediction algorithms are not available or were not evaluated, and the functional significance of this variant is currently unknown. In summary, the available evidence is currently insufficient to determine the role of this variant in disease. Therefore, it has been classified as a Variant of Uncertain Significance.